The following is an entry in ClinVar:

ClinVar aggregate classification (germline): Uncertain significance. Review status: criteria provided, multiple submitters, no conflicts (2 of 4 stars). 3 submissions from 3 submitters: Uncertain significance (3). Last evaluated 2024-09-27.

Conditions:
Hereditary cancer-predisposing syndrome. Also called: Neoplastic Syndromes, Hereditary; Tumor predisposition; Hereditary neoplastic syndrome; Hereditary Cancer Syndrome. Identifiers: Orphanet 140162, MedGen C0027672, MeSH D009386, MONDO:0015356.
Hereditary nonpolyposis colorectal neoplasms. Identifiers: MedGen C0009405, MeSH D003123.
Lynch syndrome. Identifiers: Orphanet 144, MedGen C4552100, MONDO:0005835. Disease mechanism: loss of function.

Submissions (3):

All of Us Research Program, National Institutes of Health
Classification: Uncertain significance for Lynch syndrome. Last evaluated: 2024-09-27. Review status: criteria provided, single submitter. Criteria: ACMG Guidelines, 2015. Collection method: clinical testing. Allele origin: germline. Inheritance: Autosomal dominant inheritance. Observed: 1 variant allele, 1 heterozygote.
Comment: This study involves interpretation of variants in research participants for the purpose of population health screening. Participant phenotype was not available at the time of variant classification. Additional details can be found in publication PMID: 35346344, PMCID: PMC8962531

Labcorp Genetics (formerly Invitae), Labcorp
Classification: Uncertain significance for Hereditary nonpolyposis colorectal neoplasms. Last evaluated: 2024-03-19. Review status: criteria provided, single submitter. Criteria: Invitae Variant Classification Sherloc (09022015). Collection method: clinical testing. Allele origin: germline.
Comment: This sequence change replaces serine, which is neutral and polar, with cysteine, which is neutral and slightly polar, at codon 137 of the MSH6 protein (p.Ser137Cys). This variant is not present in population databases (gnomAD no frequency). This variant has not been reported in the literature in individuals affected with MSH6-related conditions. ClinVar contains an entry for this variant (Variation ID: 2453181). Advanced modeling of protein sequence and biophysical properties (such as structural, functional, and spatial information, amino acid conservation, physicochemical variation, residue mobility, and thermodynamic stability) performed at Invitae indicates that this missense variant is not expected to disrupt MSH6 protein function with a negative predictive value of 95%. In summary, the available evidence is currently insufficient to determine the role of this variant in disease. Therefore, it has been classified as a Variant of Uncertain Significance.

Ambry Genetics
Classification: Uncertain significance for Hereditary cancer-predisposing syndrome. Last evaluated: 2022-12-18. Review status: criteria provided, single submitter. Criteria: Ambry Variant Classification Scheme 2023. Collection method: clinical testing. Allele origin: germline.
Comment: The p.S137C variant (also known as c.409A>T), located in coding exon 2 of the MSH6 gene, results from an A to T substitution at nucleotide position 409. The serine at codon 137 is replaced by cysteine, an amino acid with dissimilar properties. This amino acid position is conserved. In addition, this alteration is predicted to be tolerated by in silico analysis. Since supporting evidence is limited at this time, the clinical significance of this alteration remains unclear.

NM_000179.3(MSH6):c.409A>T (p.Ser137Cys)

Gene: MSH6 (mutS homolog 6; plus strand). Cytogenetic location: 2p16.3.
Variant type: single nucleotide variant.
Coding change: c.409A>T on transcript NM_000179.3 (MANE Select); coding-DNA position 409, A replaced by T.
Protein change: p.Ser137Cys; replaces serine 137 with cysteine.
Molecular consequence: missense variant. On other transcripts: 5 prime UTR variant (7), non-coding transcript variant (5), intron variant (6).
Genome position (GRCh38, 1-based): chr2:47,791,075, A>T. VCF-style: chr2-47791075-A-T. GRCh37 (hg19) VCF-style: chr2-48018214-A-T.
Other names: c.-328A>T (NM_001281493.2, NM_001406811.1, NM_001406823.1 and 1 more transcripts); c.-494A>T (NM_001281494.2); c.505A>T, p.Ser169Cys (NM_001406795.1, NM_001406802.1); c.409A>T, p.Ser137Cys (NM_001406796.1, NM_001406798.1, NM_001406800.1 and 6 more transcripts); c.112A>T, p.Ser38Cys (NM_001406797.1, NM_001406801.1, NM_001406805.1 and 10 more transcripts); c.331A>T, p.Ser111Cys (NM_001406804.1); c.-520A>T (NM_001406807.1); c.-586A>T (NM_001406814.1); and 5 more; short protein forms S111C, S137C, S38C, S169C, S81C.
Identifiers: ClinVar variation 2453181 (VCV002453181.6), dbSNP rs2104109164, ClinGen allele CA346737111.
Genomic context (GRCh38, chr2:47,791,075, plus strand): 5'-GGAACATTCATCCGCGAGAAAGGGAAATCAGTCCGTGTTCATGTACAGTTTTTTGATGAC[A>T]GCCCAACAAGGGGCTGGGTTAGCAAAAGGCTTTTAAAGCCATATACAGGTAAGAGTCACT-3'
Protein context (NP_000170.1, residues 127-147): VRVHVQFFDD[Ser137Cys]PTRGWVSKRL